The following is an entry in ClinVar:

NM_004525.3(LRP2):c.12494G>A (p.Arg4165His)

Gene: LRP2 (LDL receptor related protein 2; minus strand). Cytogenetic location: 2q31.1.
Variant type: single nucleotide variant.
Coding change: c.12494G>A on transcript NM_004525.3 (MANE Select); coding-DNA position 12494, G replaced by A.
Protein change: p.Arg4165His; replaces arginine 4165 with histidine.
Molecular consequence: missense variant.
Genome position (GRCh38, 1-based): chr2:169,150,994, C>T on the plus strand (G>A on the coding strand, the complement: LRP2 is on the minus strand). VCF-style: chr2-169150994-C-T. GRCh37 (hg19) VCF-style: chr2-170007504-C-T.
Other names: c.12494G>A (NM_004525.2); short protein forms R4165H.
Identifiers: ClinVar variation 1418307 (VCV001418307.5), dbSNP rs201763999, ClinGen allele CA1952788.

ClinVar aggregate classification (germline): Uncertain significance. Review status: criteria provided, multiple submitters, no conflicts (2 of 4 stars). 3 submissions from 3 submitters: Uncertain significance (3). Last evaluated 2025-10-24.

Conditions:
Inborn genetic diseases. Identifiers: MedGen C0950123, MeSH D030342.
Donnai-Barrow syndrome. Also called: DBS/FOAR SYNDROME; FACIOOCULOACOUSTICORENAL SYNDROME. Identifiers: Orphanet 2143, MedGen C1857277, MONDO:0009104, OMIM 222448.

Allele frequency attached by ClinVar (database versions not stated): 1000 Genomes Project 30x 0.00031; 1000 Genomes Project 0.00040.
gnomAD v4.1: 27 of 1,614,004 alleles (0.0017%); highest among the groups gnomAD compares: Admixed American, 0.022%; no homozygotes.

Submissions (3):

Ambry Genetics
Classification: Uncertain significance for Inborn genetic diseases. Last evaluated: 2025-10-24. Review status: criteria provided, single submitter. Criteria: Ambry Variant Classification Scheme 2023. Collection method: clinical testing. Allele origin: germline.

Labcorp Genetics (formerly Invitae), Labcorp
Classification: Uncertain significance. Last evaluated: 2022-07-26. Review status: criteria provided, single submitter. Criteria: Invitae Variant Classification Sherloc (09022015). Collection method: clinical testing. Allele origin: germline.
Comment: This sequence change replaces arginine, which is basic and polar, with histidine, which is basic and polar, at codon 4165 of the LRP2 protein (p.Arg4165His). This variant is present in population databases (rs201763999, gnomAD 0.02%). This variant has not been reported in the literature in individuals affected with LRP2-related conditions. ClinVar contains an entry for this variant (Variation ID: 1418307). Advanced modeling of protein sequence and biophysical properties (such as structural, functional, and spatial information, amino acid conservation, physicochemical variation, residue mobility, and thermodynamic stability) performed at Invitae indicates that this missense variant is not expected to disrupt LRP2 protein function. In summary, the available evidence is currently insufficient to determine the role of this variant in disease. Therefore, it has been classified as a Variant of Uncertain Significance.

Fulgent Genetics
Classification: Uncertain significance for Donnai-Barrow syndrome. Last evaluated: 2022-03-11. Review status: criteria provided, single submitter. Criteria: ACMG Guidelines, 2015. Collection method: clinical testing. Allele origin: unknown.